The following is an entry in ClinVar:

ClinVar aggregate classification (germline): Pathogenic (1 of 4 stars; one submission).

Conditions:
Cardiovascular phenotype. Identifiers: MedGen CN230736.
Hereditary cancer-predisposing syndrome. Also called: Neoplastic Syndromes, Hereditary; Tumor predisposition; Hereditary neoplastic syndrome; Hereditary Cancer Syndrome. Identifiers: Orphanet 140162, MedGen C0027672, MeSH D009386, MONDO:0015356.

Submission:

Ambry Genetics
Classification: Pathogenic for Cardiovascular phenotype; Hereditary cancer-predisposing syndrome. Last evaluated: 2026-07-10. Review status: criteria provided, single submitter. Criteria: Ambry Variant Classification Scheme 2023. Collection method: clinical testing. Allele origin: germline.
Comment: The c.18_30dup13 variant, located in coding exon 1 of the LZTR1 gene, results from a duplication of CACGGGGGGGCAG at nucleotide position 18, causing a translational frameshift with a predicted alternate stop codon (p.I11Hfs*27). This variant is considered to be rare based on population cohorts in the Genome Aggregation Database (gnomAD). This alteration is expected to result in loss of function by premature protein truncation or nonsense-mediated mRNA decay. Loss-of-function variants in LZTR1 are related to an increased risk for schwannomas and autosomal recessive Noonan syndrome; however, such associations with autosomal dominant Noonan syndrome have not been observed (Piotrowski A et al. Nat Genet. 2014 Feb;46:182-7; Yamamoto GL et al. J Med Genet. 2015 Jun;52:413-21; Johnston JJ et al. Genet Med. 2018 10;20:1175-1185). Based on the supporting evidence, this variant is pathogenic for an increased risk of LZTR1-related schwannomatosis (SWN) and would be expected to cause autosomal recessive Noonan syndrome when present along with a second pathogenic or likely pathogenic variant on the other allele; however, the association of this variant with autosomal dominant Noonan syndrome is unlikely.

NM_006767.4(LZTR1):c.18_30dup (p.Ile11fs)

Genes: LZTR1 (leucine zipper like post translational regulator 1; plus strand), LOC130067016 (ATAC-STARR-seq lymphoblastoid silent region 13504; plus strand). Cytogenetic location: 22q11.21.
Variant type: Duplication.
Coding change: c.18_30dup on transcript NM_006767.4 (MANE Select); coding-DNA positions 18 to 30, 13 bases duplicated (CACGGGGGGGCAG).
Protein change: p.Ile11fs; shifts the reading frame from isoleucine 11.
Molecular consequence: frameshift variant.
Genome position (GRCh38, 1-based): chr22:20,982,389-20,982,401, CACGGGGGGGCAG duplicated; duplicating any 13 consecutive bases within chr22:20,982,383-20,982,401 gives the same sequence; the c. name uses the placement nearest the transcript's 3' end. VCF-style (leftmost placement, unchanged base first): chr22-20982382-C-CGGGCAGCACGGGG. GRCh37 (hg19) VCF-style: chr22-21336671-C-CGGGCAGCACGGGG.
Other names: short protein forms I11fs.
Identifiers: ClinVar variation 5023759 (VCV005023759.1).